The following is an entry in ClinVar:

NM_000051.4(ATM):c.4384G>C (p.Ala1462Pro)

Gene: ATM (ATM serine/threonine kinase; plus strand). Cytogenetic location: 11q22.3.
Variant type: single nucleotide variant.
Coding change: c.4384G>C on transcript NM_000051.4 (MANE Select); coding-DNA position 4384, G replaced by C.
Protein change: p.Ala1462Pro; replaces alanine 1462 with proline.
Molecular consequence: missense variant.
Genome position (GRCh38, 1-based): chr11:108,289,749, G>C. VCF-style: chr11-108289749-G-C. GRCh37 (hg19) VCF-style: chr11-108160476-G-C.
Other names: c.4384G>C, p.Ala1462Pro (NM_001351834.2); short protein forms A1462P.
Identifiers: ClinVar variation 2496722 (VCV002496722.2), dbSNP rs2135764899, ClinGen allele CA382532144.
Genomic context (GRCh38, chr11:108,289,749, plus strand): 5'-TATCACCTGTTTGTTAGTTTATTACTGAAAGATATAAAAAGTGGCTTAGGAGGAGCTTGG[G>C]CCTTTGTTCTTCGAGACGTTATTTATACTTTGATTCACTATATCAACCAAAGGTAAATAA-3'
Protein context (NP_000042.3, residues 1452-1472): DIKSGLGGAW[Ala1462Pro]FVLRDVIYTL

ClinVar aggregate classification (germline): Uncertain significance (1 of 4 stars; one submission).

Conditions:
Hereditary cancer-predisposing syndrome. Also called: Neoplastic Syndromes, Hereditary; Hereditary neoplastic syndrome; Tumor predisposition; Hereditary Cancer Syndrome. Identifiers: Orphanet 140162, MedGen C0027672, MeSH D009386, MONDO:0015356.

Allele frequency attached by ClinVar (database versions not stated): gnomAD exomes below 0.00001.
gnomAD v4.1: 1 of 1,613,622 alleles (0.000062%); highest among the groups gnomAD compares: Non-Finnish European, 0.000085%; no homozygotes.

Submission:

Ambry Genetics
Classification: Uncertain significance for Hereditary cancer-predisposing syndrome. Last evaluated: 2022-11-20. Review status: criteria provided, single submitter. Criteria: Ambry Variant Classification Scheme 2023. Collection method: clinical testing. Allele origin: germline.
Comment: The p.A1462P variant (also known as c.4384G>C), located in coding exon 28 of the ATM gene, results from a G to C substitution at nucleotide position 4384. The alanine at codon 1462 is replaced by proline, an amino acid with highly similar properties. This amino acid position is conserved. In addition, this alteration is predicted to be deleterious by in silico analysis. Since supporting evidence is limited at this time, the clinical significance of this alteration remains unclear.